The following is an entry in ClinVar:

ClinVar aggregate classification (germline): Likely benign (1 of 4 stars; one submission).

Conditions:
Hypertrophic cardiomyopathy. Also called: HYPERTROPHIC MYOCARDIOPATHY. Identifiers: Orphanet 217569, MedGen C0007194, MeSH D002312, MONDO:0005045, HP:0001639.

Allele frequency attached by ClinVar (database versions not stated): gnomAD exomes below 0.00001.
gnomAD v4.1: 1 of 1,614,100 alleles (0.000062%); highest among the groups gnomAD compares: Non-Finnish European, 0.000085%; no homozygotes.

Submission:

All of Us Research Program, National Institutes of Health
Classification: Likely benign for Hypertrophic cardiomyopathy. Last evaluated: 2023-05-04. Review status: criteria provided, single submitter. Criteria: ACMG Guidelines, 2015. Collection method: clinical testing. Allele origin: germline. Inheritance: Autosomal dominant inheritance. Observed: 1 variant allele, 1 heterozygote.
Comment: This study involves interpretation of variants in research participants for the purpose of population health screening. Participant phenotype was not available at the time of variant classification. Additional details can be found in publication PMID: 35346344, PMCID: PMC8962531

NM_000258.3(MYL3):c.308-13C>T

Gene: MYL3 (myosin light chain 3; minus strand). Cytogenetic location: 3p21.31.
Variant type: single nucleotide variant.
Coding change: c.308-13C>T on transcript NM_000258.3 (MANE Select); 13 bases into the intron before coding-DNA position 308, C replaced by T.
Molecular consequence: intron variant.
Genome position (GRCh38, 1-based): chr3:46,859,661, G>A on the plus strand (C>T on the coding strand, the complement: MYL3 is on the minus strand). VCF-style: chr3-46859661-G-A. GRCh37 (hg19) VCF-style: chr3-46901151-G-A.
Other names: c.308-13C>T (NM_001406939.1, NM_001406938.1, NM_001406937.1); c.134-13C>T (NM_001406940.1, NM_001406941.1).
Identifiers: ClinVar variation 3070730 (VCV003070730.1), dbSNP rs2544965472, ClinGen allele CA2665478458.